The following is an entry in ClinVar:

ClinVar aggregate classification (germline): Uncertain significance. Review status: criteria provided, multiple submitters, no conflicts (2 of 4 stars). 3 submissions from 3 submitters: Uncertain significance (3). Last evaluated 2026-08-01.

Conditions:
Polycystic kidney disease, adult type (PKD1). Also called: POLYCYSTIC KIDNEY DISEASE 1 WITH OR WITHOUT POLYCYSTIC LIVER DISEASE; Polycystic Kidney, Autosomal Dominant; POLYCYSTIC KIDNEY DISEASE, ADULT, TYPE I; Polycystic Kidney Disease 1, Autosomal Dominant; Polycystic kidney disease 1; Polycystic kidney disease 1, severe. Identifiers: MedGen C3149841, MONDO:0008263, OMIM 173900.

Submissions (3):

CeGaT Center for Human Genetics Tuebingen
Classification: Uncertain significance. Last evaluated: 2026-08-01. Review status: criteria provided, single submitter. Criteria: CeGaT Center For Human Genetics Tuebingen Variant Classification Criteria Version 2. Collection method: clinical testing. Allele origin: germline. Affected: yes. Observed: 1 variant allele.
Comment: PKD1: PM2, PP3

GeneDx
Classification: Uncertain significance. Last evaluated: 2023-06-30. Review status: criteria provided, single submitter. Criteria: GeneDx Variant Classification Process June 2021. Collection method: clinical testing. Allele origin: germline. Affected: yes.
Comment: Not observed at significant frequency in large population cohorts (gnomAD); In silico analysis supports that this missense variant has a deleterious effect on protein structure/function; Has not been previously published as pathogenic or benign to our knowledge

MVZ Martinsried, Medicover Genetics
Classification: Uncertain significance for Polycystic kidney disease, adult type. Last evaluated: 2018-01-17. Review status: criteria provided, single submitter. Criteria: ACMG Guidelines, 2015. Collection method: clinical testing. Allele origin: unknown. Affected: yes.

NM_001009944.3(PKD1):c.11875G>C (p.Ala3959Pro)

Gene: PKD1 (polycystin 1, transient receptor potential channel interacting; minus strand). Cytogenetic location: 16p13.3.
Variant type: single nucleotide variant.
Coding change: c.11875G>C on transcript NM_001009944.3 (MANE Select); coding-DNA position 11875, G replaced by C.
Protein change: p.Ala3959Pro; replaces alanine 3959 with proline.
Molecular consequence: missense variant.
Genome position (GRCh38, 1-based): chr16:2,091,012, C>G on the plus strand (G>C on the coding strand, the complement: PKD1 is on the minus strand). VCF-style: chr16-2091012-C-G. GRCh37 (hg19) VCF-style: chr16-2141013-C-G.
Other names: c.11875G>C (NM_001009944.2); c.11872G>C, p.Ala3958Pro (NM_000296.4); short protein forms A3958P, A3959P.
Identifiers: ClinVar variation 520419 (VCV000520419.3), dbSNP rs756245085, ClinGen allele CA394329491.